The following is an entry in ClinVar:

NM_002334.4(LRP4):c.3277+5G>A

Gene: LRP4 (LDL receptor related protein 4; minus strand). Cytogenetic location: 11p11.2.
Variant type: single nucleotide variant.
Coding change: c.3277+5G>A on transcript NM_002334.4 (MANE Select); 5 bases into the intron after coding-DNA position 3277, G replaced by A.
Molecular consequence: intron variant.
Genome position (GRCh38, 1-based): chr11:46,877,194, C>T on the plus strand (G>A on the coding strand, the complement: LRP4 is on the minus strand). VCF-style: chr11-46877194-C-T. GRCh37 (hg19) VCF-style: chr11-46898745-C-T.
Identifiers: ClinVar variation 1403502 (VCV001403502.7), dbSNP rs374900441, ClinGen allele CA599052171.

ClinVar aggregate classification (germline): Uncertain significance (1 of 4 stars; one submission).

Conditions:
Cenani-Lenz syndactyly syndrome. Also called: CENANI SYNDACTYLISM; SYNDACTYLY, TYPE VII. Identifiers: Orphanet 3258, MedGen C1859309, MONDO:0008931, OMIM 212780.
Sclerosteosis 2 (SOST2). Identifiers: Orphanet 3152, MedGen C3280402, MONDO:0013679, OMIM 614305.
Congenital myasthenic syndrome 17. Identifiers: Orphanet 590, MedGen C4225377, MONDO:0014578, OMIM 616304.

gnomAD v4.1: 8 of 1,613,826 alleles (0.0005%); highest among the groups gnomAD compares: South Asian, 0.0044%; no homozygotes.

Submission:

Labcorp Genetics (formerly Invitae), Labcorp
Classification: Uncertain significance for Cenani-Lenz syndactyly syndrome; Sclerosteosis 2; Congenital myasthenic syndrome 17. Last evaluated: 2021-04-23. Review status: criteria provided, single submitter. Criteria: Invitae Variant Classification Sherloc (09022015). Collection method: clinical testing. Allele origin: germline.
Comment: Nucleotide substitutions within the consensus splice site are a relatively common cause of aberrant splicing (PMID: 17576681, 9536098). Algorithms developed to predict the effect of sequence changes on RNA splicing suggest that this variant may disrupt the consensus splice site, but this prediction has not been confirmed by published transcriptional studies. This sequence change falls in intron 23 of the LRP4 gene. It does not directly change the encoded amino acid sequence of the LRP4 protein. It affects a nucleotide within the consensus splice site of the intron. This variant is not present in population databases (ExAC no frequency). This variant has not been reported in the literature in individuals with LRP4-related conditions. In summary, the available evidence is currently insufficient to determine the role of this variant in disease. Therefore, it has been classified as a Variant of Uncertain Significance.

Literature cited by the submitters: PubMed 17576681; PubMed 9536098.